The following is an entry in ClinVar:

NM_001397406.1(FDX2):c.295_307+12dup

Genes: FDX2 (ferredoxin 2; minus strand), FDX2-ZGLP1 (FDX2-ZGLP1 readthrough (NMD candidate); minus strand). Cytogenetic location: 19p13.2.
Variant type: Duplication.
Coding change: c.295_307+12dup on transcript NM_001397406.1 (MANE Select); coding-DNA position 295 through 12 bases into the intron after coding-DNA position 307, 25 bases duplicated (GTGGACCTGGAAGGTAGGAACCGGG).
Molecular consequence: splice donor variant.
Genome position (GRCh38, 1-based): chr19:10,315,374-10,315,398, CCCGGTTCCTACCTTCCAGGTCCAC duplicated on the plus strand (GTGGACCTGGAAGGTAGGAACCGGG on the coding strand, the reverse complement: FDX2 is on the minus strand); duplicating any 25 consecutive bases within chr19:10,315,374-10,315,402 gives the same sequence; the c. name uses the placement nearest the transcript's 3' end. VCF-style (leftmost placement, unchanged base first): chr19-10315373-G-GCCCGGTTCCTACCTTCCAGGTCCAC. GRCh37 (hg19) VCF-style: chr19-10426049-G-GCCCGGTTCCTACCTTCCAGGTCCAC.
Identifiers: ClinVar variation 4704023 (VCV004704023.1).

ClinVar aggregate classification (germline): Uncertain significance (1 of 4 stars; one submission).

Submission:

Labcorp Genetics (formerly Invitae), Labcorp
Classification: Uncertain significance. Last evaluated: 2025-05-03. Review status: criteria provided, single submitter. Criteria: Invitae Variant Classification Sherloc (09022015). Collection method: clinical testing. Allele origin: germline.
Comment: This sequence change falls in intron 3 of the FDX2 gene. It does not directly change the encoded amino acid sequence of the FDX2 protein. This variant is not present in population databases (gnomAD no frequency). This variant has not been reported in the literature in individuals affected with FDX2-related conditions. Experimental studies and prediction algorithms are not available or were not evaluated, and the effect of this variant on mRNA splicing is currently unknown. In summary, the available evidence is currently insufficient to determine the role of this variant in disease. Therefore, it has been classified as a Variant of Uncertain Significance.